The following is an entry in ClinVar:

NM_002617.4(PEX10):c.776+4C>T

Gene: PEX10 (peroxisomal biogenesis factor 10; minus strand). Cytogenetic location: 1p36.32.
Variant type: single nucleotide variant.
Coding change: c.776+4C>T on transcript NM_002617.4 (MANE Select); 4 bases into the intron after coding-DNA position 776, C replaced by T.
Molecular consequence: intron variant.
Genome position (GRCh38, 1-based): chr1:2,406,716, G>A on the plus strand (C>T on the coding strand, the complement: PEX10 is on the minus strand). VCF-style: chr1-2406716-G-A. GRCh37 (hg19) VCF-style: chr1-2338155-G-A.
Other names: c.344+4C>T (NM_001374427.1); c.401+4C>T (NM_001374426.1); c.833+4C>T (NM_001374425.1); c.836+4C>T (NM_153818.2).
Identifiers: ClinVar variation 1437428 (VCV001437428.7), dbSNP rs374719922, ClinGen allele CA538037.

ClinVar aggregate classification (germline): Uncertain significance (1 of 4 stars; one submission).

Conditions:
Peroxisome biogenesis disorder, complementation group 7 (CG7). Also called: Peroxisome biogenesis disorder, complementation group B. Identifiers: MedGen C1864399.

Allele frequency attached by ClinVar (database versions not stated): gnomAD exomes below 0.00001; ExAC 0.00001; TOPMed 0.00002; ESP Exome Variant Server 0.00008.
gnomAD v4.1: 4 of 1,608,506 alleles (0.00025%); highest among the groups gnomAD compares: African/African-American, 0.0013%; no homozygotes.

Submission:

Labcorp Genetics (formerly Invitae), Labcorp
Classification: Uncertain significance for Peroxisome biogenesis disorder, complementation group 7. Last evaluated: 2024-12-02. Review status: criteria provided, single submitter. Criteria: Invitae Variant Classification Sherloc (09022015). Collection method: clinical testing. Allele origin: germline.
Comment: This sequence change falls in intron 4 of the PEX10 gene. It does not directly change the encoded amino acid sequence of the PEX10 protein. It affects a nucleotide within the consensus splice site. The frequency data for this variant in the population databases is considered unreliable, as metrics indicate poor data quality at this position in the gnomAD database. This variant has not been reported in the literature in individuals affected with PEX10-related conditions. ClinVar contains an entry for this variant (Variation ID: 1437428). Variants that disrupt the consensus splice site are a relatively common cause of aberrant splicing (PMID: 17576681, 9536098). Algorithms developed to predict the effect of sequence changes on RNA splicing suggest that this variant is not likely to affect RNA splicing. In summary, the available evidence is currently insufficient to determine the role of this variant in disease. Therefore, it has been classified as a Variant of Uncertain Significance.

Literature cited by the submitters: PubMed 17576681; PubMed 9536098.